The following is an entry in ClinVar:

NM_022436.3(ABCG5):c.1711T>C (p.Cys571Arg)

Genes: DYNC2LI1 (dynein cytoplasmic 2 light intermediate chain 1; plus strand), ABCG5 (ATP binding cassette subfamily G member 5; minus strand). Cytogenetic location: 2p21.
Variant type: single nucleotide variant.
Coding change: c.1711T>C on transcript NM_022436.3 (MANE Select); coding-DNA position 1711, T replaced by C.
Protein change: p.Cys571Arg; replaces cysteine 571 with arginine.
Molecular consequence: missense variant. On other transcripts: intron variant (2).
Genome position (GRCh38, 1-based): chr2:43,814,528, A>G on the plus strand (T>C on the coding strand, the complement: ABCG5 is on the minus strand). VCF-style: chr2-43814528-A-G. GRCh37 (hg19) VCF-style: chr2-44041667-A-G.
Other names: c.*15+4004A>G (NM_001348913.2, NM_001348912.2); short protein forms C571R.
Identifiers: ClinVar variation 595767 (VCV000595767.12), dbSNP rs370371131, ClinGen allele CA1636188.
Genomic context (GRCh38, chr2:43,814,528, plus strand): 5'-AATACTTACCACAAGTGAAATTCAGTCCGTAGAACTCATTGACTACAAGAATCTCACTGC[A>G]ATATTTTTGGAATGTAAAATAACTGATGATTTTAAAAGGAATGGGCATTTCTTGTATGTT-3'
Protein context (NP_071881.1, residues 561-581): IISYFTFQKY[Cys571Arg]SEILVVNEFY

ClinVar aggregate classification (germline): Uncertain significance. Review status: criteria provided, multiple submitters, no conflicts (2 of 4 stars). 3 submissions from 3 submitters: Uncertain significance (3). Last evaluated 2025-10-21.

Conditions:
ABCG5-related disorder. Also called: ABCG5-related condition.
Sitosterolemia (STSL). Also called: PHYTOSTEROLEMIA. Identifiers: Orphanet 2882, MedGen C0342907, MONDO:0008863.

Allele frequency attached by ClinVar (database versions not stated): ExAC 0.00001; gnomAD exomes below 0.00001; gnomAD 0.00001; TOPMed 0.00001; ESP Exome Variant Server 0.00008.

Submissions (3):

PreventionGenetics, part of Exact Sciences
Classification: Uncertain significance for ABCG5-related condition. Last evaluated: 2025-10-21. Review status: criteria provided, single submitter. Criteria: ACMG Guidelines, 2015. Collection method: clinical testing. Allele origin: germline.
Comment: The ABCG5 c.1711T>C variant is predicted to result in the amino acid substitution p.Cys571Arg. To our knowledge, this variant has not been reported in the literature. This variant is reported in 0.0062% of alleles in individuals of African descent in gnomAD. At this time, the clinical significance of this variant is uncertain due to the absence of conclusive functional and genetic evidence.

Labcorp Genetics (formerly Invitae), Labcorp
Classification: Uncertain significance for Sitosterolemia. Last evaluated: 2022-08-13. Review status: criteria provided, single submitter. Criteria: Invitae Variant Classification Sherloc (09022015). Collection method: clinical testing. Allele origin: germline.
Comment: This sequence change replaces cysteine, which is neutral and slightly polar, with arginine, which is basic and polar, at codon 571 of the ABCG5 protein (p.Cys571Arg). This variant is present in population databases (rs370371131, gnomAD 0.007%). This variant has not been reported in the literature in individuals affected with ABCG5-related conditions. ClinVar contains an entry for this variant (Variation ID: 595767). Algorithms developed to predict the effect of missense changes on protein structure and function (SIFT, PolyPhen-2, Align-GVGD) all suggest that this variant is likely to be tolerated. Algorithms developed to predict the effect of sequence changes on RNA splicing suggest that this variant may create or strengthen a splice site. In summary, the available evidence is currently insufficient to determine the role of this variant in disease. Therefore, it has been classified as a Variant of Uncertain Significance.

Eurofins Ntd Llc (ga)
Classification: Uncertain significance. Last evaluated: 2018-01-12. Review status: criteria provided, single submitter. Criteria: EGL Classification Definitions 2015. Collection method: clinical testing. Allele origin: germline. Observed: 1 variant allele, 1 heterozygote.